The following is an entry in ClinVar:

ClinVar aggregate classification (germline): Uncertain significance (1 of 4 stars; one submission).

Conditions:
Inborn genetic diseases. Identifiers: MedGen C0950123, MeSH D030342.

Submission:

Ambry Genetics
Classification: Uncertain significance for Inborn genetic diseases. Last evaluated: 2026-07-09. Review status: criteria provided, single submitter. Criteria: Ambry Variant Classification Scheme 2023. Collection method: clinical testing. Allele origin: germline.
Comment: The p.K485E variant (also known as c.1453A>G), located in coding exon 8 of the PIK3CA gene, results from an A to G substitution at nucleotide position 1453. The lysine at codon 485 is replaced by glutamic acid, an amino acid with similar properties. This amino acid position is conserved. In addition, this alteration is predicted to be deleterious by in silico analysis. Based on the available evidence, the clinical significance of this variant remains unclear.

NM_006218.4(PIK3CA):c.1453A>G (p.Lys485Glu)

Gene: PIK3CA (phosphatidylinositol-4,5-bisphosphate 3-kinase catalytic subunit alpha; plus strand). Cytogenetic location: 3q26.32.
Variant type: single nucleotide variant.
Coding change: c.1453A>G on transcript NM_006218.4 (MANE Select); coding-DNA position 1453, A replaced by G.
Protein change: p.Lys485Glu; replaces lysine 485 with glutamic acid.
Molecular consequence: missense variant.
Genome position (GRCh38, 1-based): chr3:179,210,479, A>G. VCF-style: chr3-179210479-A-G. GRCh37 (hg19) VCF-style: chr3-178928267-A-G.
Other names: short protein forms K485E.
Identifiers: ClinVar variation 5026689 (VCV005026689.1).
Genomic context (GRCh38, chr3:179,210,479, plus strand): 5'-TCCATCTCTTAGGAAACTCCATGCTTAGAGTTGGAGTTTGACTGGTTCAGCAGTGTGGTA[A>G]AGTTCCCAGATATGTCAGTGATTGAAGAGCATGCCAATTGGTCTGTATCCCGAGAAGCAG-3'
Protein context (NP_006209.2, residues 475-495): LEFDWFSSVV[Lys485Glu]FPDMSVIEEH